The following is an entry in ClinVar:

NM_004036.5(ADCY3):c.283A>C (p.Met95Leu)

Gene: ADCY3 (adenylate cyclase 3; minus strand). Cytogenetic location: 2p23.3.
Variant type: single nucleotide variant.
Coding change: c.283A>C on transcript NM_004036.5 (MANE Select); coding-DNA position 283, A replaced by C.
Protein change: p.Met95Leu; replaces methionine 95 with leucine.
Molecular consequence: missense variant.
Genome position (GRCh38, 1-based): chr2:24,918,705, T>G on the plus strand (A>C on the coding strand, the complement: ADCY3 is on the minus strand). VCF-style: chr2-24918705-T-G. GRCh37 (hg19) VCF-style: chr2-25141574-T-G.
Other names: c.283A>C, p.Met95Leu (NM_001320613.2, NM_001377128.1, NM_001377129.1 and 2 more transcripts); short protein forms M95L.
Identifiers: ClinVar variation 4996994 (VCV004996994.1).
Genomic context (GRCh38, chr2:24,918,705, plus strand): 5'-GTCCAATTCCAGCCACGGCGAGGGAAGCCAGCTTGTCGCTGGAGAAGACCACAGCACACA[T>G]GACCACCACGTAGCAGTCAAAGAGGGCTGCAAAGACCACCAGCACCAGCAGGGTCTCGTG-3'
Protein context (NP_004027.2, residues 85-105): AALFDCYVVV[Met95Leu]CAVVFSSDKL

ClinVar aggregate classification (germline): Uncertain significance (1 of 4 stars; one submission).

Conditions:
ADCY3-related disorder. Also called: ADCY3-related condition.

gnomAD v4.1: 1 of 1,613,976 alleles (0.000062%); highest among the groups gnomAD compares: South Asian, 0.0011%; no homozygotes.

Submission:

PreventionGenetics, part of Exact Sciences
Classification: Uncertain significance for ADCY3-related condition. Last evaluated: 2025-09-21. Review status: criteria provided, single submitter. Criteria: ACMG Guidelines, 2015. Collection method: clinical testing. Allele origin: germline.
Comment: The ADCY3 c.283A>C variant is predicted to result in the amino acid substitution p.Met95Leu. To our knowledge, this variant has not been reported in the literature or in a large population database (gnomAD), indicating this variant is rare. At this time, the clinical significance of this variant is uncertain due to the absence of conclusive functional and genetic evidence.